The following is an entry in ClinVar:

NM_000138.5(FBN1):c.7430A>G (p.Gln2477Arg)

Gene: FBN1 (fibrillin 1; minus strand). Cytogenetic location: 15q21.1.
Variant type: single nucleotide variant.
Coding change: c.7430A>G on transcript NM_000138.5 (MANE Select); coding-DNA position 7430, A replaced by G.
Protein change: p.Gln2477Arg; replaces glutamine 2477 with arginine.
Molecular consequence: missense variant.
Genome position (GRCh38, 1-based): chr15:48,425,392, T>C on the plus strand (A>G on the coding strand, the complement: FBN1 is on the minus strand). VCF-style: chr15-48425392-T-C. GRCh37 (hg19) VCF-style: chr15-48717589-T-C.
Other names: p.Q2477R:CAA>CGA; short protein forms Q2477R.
Identifiers: ClinVar variation 200113 (VCV000200113.37), dbSNP rs747777955, ClinGen allele CA017204.
Genomic context (GRCh38, chr15:48,425,392, plus strand): 5'-GGAGCTAGGTGAGGGGCAATGGTCAATTCTACTTTACCTTTGCAGCTCCTTCCATCCTCT[T>C]GCAGAATGTAGCCTTTCGGGCATGAACACTGGTAACTCCCTTCTGTGTTTTTGCAGATAA-3'
Protein context (NP_000129.3, residues 2467-2487): QCSCPKGYIL[Gln2477Arg]EDGRSCKDLD

ClinVar aggregate classification (germline): Uncertain significance. Review status: criteria provided, multiple submitters, no conflicts (2 of 4 stars). 8 submissions from 8 submitters: Uncertain significance (8). Last evaluated 2026-04-02.

Conditions:
MASS syndrome (OCTD). Also called: MASS PHENOTYPE; OVERLAP CONNECTIVE TISSUE DISEASE. Identifiers: MedGen C1858556, MONDO:0011431, OMIM 604308.
Acromicric dysplasia (ACMICD). Also called: Acromicric skeletal dysplasia. Identifiers: Orphanet 969, MedGen C0265287, MONDO:0007055, OMIM 102370.
Progeroid and marfanoid aspect-lipodystrophy syndrome. Also called: MARFANOID-PROGEROID SYNDROME; MARFAN-PROGEROID-LIPODYSTROPHY SYNDROME; MARFANOID-PROGEROID-LIPODYSTROPHY SYNDROME; Marfan lipodystrophy syndrome. Identifiers: Orphanet 300382, MedGen C4310796, MONDO:0014831, OMIM 616914.
Ectopia lentis 1, isolated, autosomal dominant (ECTOL1). Identifiers: Orphanet 1885, MedGen C3541518, MONDO:0007514, OMIM 129600.
Weill-Marchesani syndrome 2, dominant. Also called: Weill-Marchesani Syndrome, Autosomal Dominant; FBN1-Related Weill-Marchesani Syndrome. Identifiers: Orphanet 2084, MedGen C1869115, MONDO:0012013, OMIM 608328.
Geleophysic dysplasia 2 (GPHYSD2). Identifiers: Orphanet 2623, MedGen C3280054, MONDO:0013612, OMIM 614185.
Stiff skin syndrome (SSKS). Identifiers: Orphanet 2833, MedGen C1861456, MONDO:0008492, OMIM 184900.
Marfan syndrome (MFS). Also called: Marfan syndrome type 1; Marfan's syndrome; Marfan syndrome, classic; MARFAN SYNDROME, TYPE I; FBN1-Related Marfan Syndrome. Identifiers: Orphanet 284963, Orphanet 558, MedGen C0024796, MONDO:0007947, OMIM 154700.
Familial thoracic aortic aneurysm and aortic dissection (TAAD). Also called: Thoracic aortic aneurysms and dissections. Identifiers: Orphanet 91387, MedGen C4707243, MONDO:0019625.

Allele frequency attached by ClinVar (database versions not stated): ExAC 0.00001; gnomAD exomes 0.00001 and 0.00002; gnomAD 0.00003; TOPMed 0.00003.
gnomAD v4.1: 29 of 1,614,094 alleles (0.0018%); highest among the groups gnomAD compares: East Asian, 0.0045%; no homozygotes.

Submissions (8):

Praxis Für Humangenetik, Biosciencia MVZ Labor Saar
Classification: Uncertain significance for Marfan syndrome. Last evaluated: 2026-04-02. Review status: criteria provided, single submitter. Criteria: ACMG Guidelines, 2015. Collection method: clinical testing. Allele origin: germline. Inheritance: Autosomal dominant inheritance.

Labcorp Genetics (formerly Invitae), Labcorp
Classification: Uncertain significance for Marfan syndrome; Familial thoracic aortic aneurysm and aortic dissection. Last evaluated: 2025-05-28. Review status: criteria provided, single submitter. Criteria: Invitae Variant Classification Sherloc (09022015). Collection method: clinical testing. Allele origin: germline.
Comment: This sequence change replaces glutamine, which is neutral and polar, with arginine, which is basic and polar, at codon 2477 of the FBN1 protein (p.Gln2477Arg). This variant is present in population databases (rs747777955, gnomAD 0.006%). This variant has not been reported in the literature in individuals affected with FBN1-related conditions. ClinVar contains an entry for this variant (Variation ID: 200113). Invitae Evidence Modeling of protein sequence and biophysical properties (such as structural, functional, and spatial information, amino acid conservation, physicochemical variation, residue mobility, and thermodynamic stability) indicates that this missense variant is expected to disrupt FBN1 protein function with a positive predictive value of 95%. In summary, the available evidence is currently insufficient to determine the role of this variant in disease. Therefore, it has been classified as a Variant of Uncertain Significance.

Color Diagnostics, LLC DBA Color Health
Classification: Uncertain significance for Familial thoracic aortic aneurysm and aortic dissection. Last evaluated: 2025-05-13. Review status: criteria provided, single submitter. Criteria: ACMG Guidelines, 2015. Collection method: clinical testing. Allele origin: germline.
Comment: This missense variant replaces glutamine with arginine at codon 2477 of the FBN1 protein. Computational prediction tool is inconclusive regarding the impact of this variant on protein structure and function. To our knowledge, functional studies have not been reported for this variant. This variant has not been reported in individuals affected with FBN1-related disorders in the literature. This variant has been identified in 3/251412 chromosomes in the general population by the Genome Aggregation Database (gnomAD). The available evidence is insufficient to determine the role of this variant in disease conclusively. Therefore, this variant is classified as a Variant of Uncertain Significance.

CeGaT Center for Human Genetics Tuebingen
Classification: Uncertain significance. Last evaluated: 2024-12-01. Review status: criteria provided, single submitter. Criteria: CeGaT Center For Human Genetics Tuebingen Variant Classification Criteria Version 2. Collection method: clinical testing. Allele origin: germline. Affected: yes. Observed: 1 variant allele.

All of Us Research Program, National Institutes of Health
Classification: Uncertain significance for Marfan syndrome. Last evaluated: 2024-03-14. Review status: criteria provided, single submitter. Criteria: ACMG Guidelines, 2015. Collection method: clinical testing. Allele origin: germline. Inheritance: Autosomal dominant inheritance. Observed: 9 variant alleles, 9 heterozygotes.
Comment: This missense variant replaces glutamine with arginine at codon 2477 of the FBN1 protein. Computational prediction is inconclusive regarding the impact of this variant on protein structure and function (internally defined REVEL score threshold 0.5 < inconclusive < 0.7, PMID: 27666373). To our knowledge, functional studies have not been reported for this variant. This variant has not been reported in individuals affected with cardiovascular disorders in the literature. This variant has been identified in 3/251412 chromosomes in the general population by the Genome Aggregation Database (gnomAD). The available evidence is insufficient to determine the role of this variant in disease conclusively. Therefore, this variant is classified as a Variant of Uncertain Significance.

This study involves interpretation of variants in research participants for the purpose of population health screening. Participant phenotype was not available at the time of variant classification. Additional details can be found in publication PMID: 35346344, PMCID: PMC8962531

GeneDx
Classification: Uncertain significance. Last evaluated: 2023-02-28. Review status: criteria provided, single submitter. Criteria: GeneDx Variant Classification Process June 2021. Collection method: clinical testing. Allele origin: germline. Affected: yes.
Comment: Has not been previously published as pathogenic or benign to our knowledge; Not observed at significant frequency in large population cohorts (gnomAD); In silico analysis supports that this missense variant does not alter protein structure/function; Although located in a calcium-binding EGF-like domain of the FBN1 gene, it does not affect a cysteine residue within this domain; cysteine substitutions in the calcium-binding EGF-like domains represent the majority of pathogenic missense changes associated with FBN1-related disorders (Collod-Beroud et al., 2003); This variant is associated with the following publications: (PMID: 12938084)

Fulgent Genetics
Classification: Uncertain significance for Acromicric dysplasia; Ectopia lentis 1, isolated, autosomal dominant; Marfan syndrome; Stiff skin syndrome; MASS syndrome; Weill-Marchesani syndrome 2, dominant; Geleophysic dysplasia 2; Progeroid and marfanoid aspect-lipodystrophy syndrome. Last evaluated: 2021-07-10. Review status: criteria provided, single submitter. Criteria: ACMG Guidelines, 2015. Collection method: clinical testing. Allele origin: unknown.

CHEO Genetics Diagnostic Laboratory, Children's Hospital of Eastern Ontario
Classification: Uncertain significance for Familial thoracic aortic aneurysm and aortic dissection. Last evaluated: 2016-02-02. Review status: criteria provided, single submitter. Criteria: ACMG Guidelines, 2015. Collection method: clinical testing. Allele origin: germline. Study: Canadian Open Genetics Repository.